The following is an entry in ClinVar:

NM_017755.6(NSUN2):c.48G>A (p.Pro16=)

Gene: NSUN2 (NOP2/Sun RNA methyltransferase 2; minus strand). Cytogenetic location: 5p15.31.
Variant type: single nucleotide variant.
Coding change: c.48G>A on transcript NM_017755.6 (MANE Select); coding-DNA position 48, G replaced by A.
Protein change: p.Pro16=; no amino-acid change (proline 16 retained).
Molecular consequence: synonymous variant. On other transcripts: non-coding transcript variant (1).
Genome position (GRCh38, 1-based): chr5:6,632,932, C>T on the plus strand (G>A on the coding strand, the complement: NSUN2 is on the minus strand). VCF-style: chr5-6632932-C-T. GRCh37 (hg19) VCF-style: chr5-6633045-C-T.
Other names: c.48G>A, p.Pro16= (NM_001193455.2); c.48G>A (NM_017755.5).
Identifiers: ClinVar variation 1617588 (VCV001617588.11), dbSNP rs150809074, ClinGen allele CA3192955.

ClinVar aggregate classification (germline): Likely benign. Review status: criteria provided, multiple submitters, no conflicts (2 of 4 stars). 3 submissions from 3 submitters: Likely benign (2). 1 of the submissions does not count toward it. Last evaluated 2025-12-16.

Conditions:
NSUN2-related disorder. Also called: NSUN2-related condition.

Allele frequency attached by ClinVar (database versions not stated): TOPMed 0.00006; gnomAD 0.00007; gnomAD exomes 0.00007 and 0.00010; 1000 Genomes Project 30x 0.00016; 1000 Genomes Project 0.00020.
gnomAD v4.1: 136 of 1,511,266 alleles (0.009%); highest among the groups gnomAD compares: Non-Finnish European, 0.011%; no homozygotes.

Submissions (3):

Labcorp Genetics (formerly Invitae), Labcorp
Classification: Likely benign. Last evaluated: 2025-12-16. Review status: criteria provided, single submitter. Criteria: Invitae Variant Classification Sherloc (09022015). Collection method: clinical testing. Allele origin: germline.

Breakthrough Genomics
Classification: Likely benign. Review status: criteria provided, single submitter. Criteria: ACMG Guidelines, 2015. Collection method: not provided. Allele origin: germline. Inheritance: Autosomal recessive inheritance. Affected: yes.

PreventionGenetics, part of Exact Sciences
Classification: Likely benign for NSUN2-related condition. Last evaluated: 2019-07-22. Review status: no assertion criteria provided. Collection method: clinical testing. Allele origin: germline. Not counted in ClinVar's aggregate classification.
Comment: This variant is classified as likely benign based on ACMG/AMP sequence variant interpretation guidelines (Richards et al. 2015 PMID: 25741868, with internal and published modifications).